The following is an entry in ClinVar:

NM_001171.6(ABCC6):c.3159C>A (p.Asp1053Glu)

Gene: ABCC6 (ATP binding cassette subfamily C member 6; minus strand). Cytogenetic location: 16p13.11.
Variant type: single nucleotide variant.
Coding change: c.3159C>A on transcript NM_001171.6 (MANE Select); coding-DNA position 3159, C replaced by A.
Protein change: p.Asp1053Glu; replaces aspartic acid 1053 with glutamic acid.
Molecular consequence: missense variant. On other transcripts: non-coding transcript variant (1).
Genome position (GRCh38, 1-based): chr16:16,165,770, G>T on the plus strand (C>A on the coding strand, the complement: ABCC6 is on the minus strand). VCF-style: chr16-16165770-G-T. GRCh37 (hg19) VCF-style: chr16-16259627-G-T.
Other names: c.2817C>A, p.Asp939Glu (NM_001351800.1); c.3159C>A (NM_001171.5); short protein forms D1053E, D939E.
Identifiers: ClinVar variation 2185311 (VCV002185311.3), dbSNP rs780915265, ClinGen allele CA7925675.

ClinVar aggregate classification (germline): Uncertain significance. Review status: criteria provided, multiple submitters, no conflicts (2 of 4 stars). 2 submissions from 2 submitters: Uncertain significance (2). Last evaluated 2025-07-07.

Conditions:
Inborn genetic diseases. Identifiers: MedGen C0950123, MeSH D030342.

gnomAD v4.1: 39 of 1,613,698 alleles (0.0024%); highest among the groups gnomAD compares: Non-Finnish European, 0.0032%; no homozygotes.

Submissions (2):

Labcorp Genetics (formerly Invitae), Labcorp
Classification: Uncertain significance. Last evaluated: 2025-07-07. Review status: criteria provided, single submitter. Criteria: Invitae Variant Classification Sherloc (09022015). Collection method: clinical testing. Allele origin: germline.
Comment: This sequence change replaces aspartic acid, which is acidic and polar, with glutamic acid, which is acidic and polar, at codon 1053 of the ABCC6 protein (p.Asp1053Glu). This variant is present in population databases (rs780915265, gnomAD 0.005%). This variant has not been reported in the literature in individuals affected with ABCC6-related conditions. ClinVar contains an entry for this variant (Variation ID: 2185311). Invitae Evidence Modeling of protein sequence and biophysical properties (such as structural, functional, and spatial information, amino acid conservation, physicochemical variation, residue mobility, and thermodynamic stability) has been performed for this missense variant. However, the output from this modeling did not meet the statistical confidence thresholds required to predict the impact of this variant on ABCC6 protein function. In summary, the available evidence is currently insufficient to determine the role of this variant in disease. Therefore, it has been classified as a Variant of Uncertain Significance.

Ambry Genetics
Classification: Uncertain significance for Inborn genetic diseases. Last evaluated: 2024-10-08. Review status: criteria provided, single submitter. Criteria: Ambry Variant Classification Scheme 2023. Collection method: clinical testing. Allele origin: germline.